The following is an entry in ClinVar:

NM_006214.4(PHYH):c.979C>T (p.Arg327Ter)

Gene: PHYH (phytanoyl-CoA 2-hydroxylase; minus strand). Cytogenetic location: 10p13.
Variant type: single nucleotide variant.
Coding change: c.979C>T on transcript NM_006214.4 (MANE Select); coding-DNA position 979, C replaced by T.
Protein change: p.Arg327Ter; replaces arginine 327 with a stop codon.
Molecular consequence: nonsense.
Genome position (GRCh38, 1-based): chr10:13,278,339, G>A on the plus strand (C>T on the coding strand, the complement: PHYH is on the minus strand). VCF-style: chr10-13278339-G-A. GRCh37 (hg19) VCF-style: chr10-13320339-G-A.
Other names: c.679C>T, p.Arg227Ter (NM_001037537.2, NM_001323080.2); c.985C>T, p.Arg329Ter (NM_001323082.2); c.715C>T, p.Arg239Ter (NM_001323083.2); c.685C>T, p.Arg229Ter (NM_001323084.2); short protein forms R229*, R239*, R329*, R227*, R327*.
Identifiers: ClinVar variation 2161212 (VCV002161212.2), dbSNP rs546257524, ClinGen allele CA5412180.

ClinVar aggregate classification (germline): Uncertain significance. Review status: criteria provided, multiple submitters, no conflicts (2 of 4 stars). 2 submissions from 2 submitters: Uncertain significance (2). Last evaluated 2022-04-11.

Allele frequency attached by ClinVar (database versions not stated): gnomAD 0.00001; gnomAD exomes 0.00001; TOPMed 0.00001; ExAC 0.00003.
gnomAD v4.1: 11 of 1,611,422 alleles (0.00068%); highest among the groups gnomAD compares: Admixed American, 0.005%; no homozygotes.

Submissions (2):

Labcorp Genetics (formerly Invitae), Labcorp
Classification: Uncertain significance. Last evaluated: 2022-04-11. Review status: criteria provided, single submitter. Criteria: Invitae Variant Classification Sherloc (09022015). Collection method: clinical testing. Allele origin: germline.
Comment: This sequence change creates a premature translational stop signal (p.Arg327*) in the PHYH gene. While this is not anticipated to result in nonsense mediated decay, it is expected to disrupt the last 12 amino acid(s) of the PHYH protein. This variant is present in population databases (rs546257524, gnomAD 0.01%). This variant has not been reported in the literature in individuals affected with PHYH-related conditions. Experimental studies and prediction algorithms are not available or were not evaluated, and the functional significance of this variant is currently unknown. In summary, the available evidence is currently insufficient to determine the role of this variant in disease. Therefore, it has been classified as a Variant of Uncertain Significance.

Blueprint Genetics
Classification: Uncertain significance. Last evaluated: 2020-08-04. Review status: criteria provided, single submitter. Criteria: ACMG Guidelines, 2015. Collection method: clinical testing. Allele origin: germline.